The following is an entry in ClinVar:

ClinVar aggregate classification (germline): Pathogenic (1 of 4 stars; one submission).

Conditions:
Complex neurodevelopmental disorder. Identifiers: Orphanet 528084, MedGen C5568766, MONDO:0100038.

Submission:

GeneDx
Classification: Pathogenic. Last evaluated: 2026-09-01. Review status: criteria provided, single submitter. Criteria: GeneDx Variant Classification Process June 2021. Collection method: clinical testing. Allele origin: germline.
Comment: Reported in a cohort of individuals with developmental disorders in the literature (PMID: 33057194); however, detailed clinical information not provided and another de novo variant was identified in proband; Canonical splice site variant predicted to result in an in-frame loss of the adjacent exon in a gene for which loss of function is a known mechanism of disease; Deletions involving coding exons of this gene are a known mechanism of disease (HGMD); Not observed at significant frequency in large population cohorts (gnomAD); This variant is associated with the following publications: (PMID: 38766206, 33057194)

NM_001040142.2(SCN2A):c.4308+1G>A

Gene: SCN2A (sodium voltage-gated channel alpha subunit 2; plus strand). Cytogenetic location: 2q24.3.
Variant type: single nucleotide variant.
Coding change: c.4308+1G>A on transcript NM_001040142.2 (MANE Select); the canonical splice donor site of the intron after coding-DNA position 4308, G replaced by A.
Molecular consequence: splice donor variant.
Genome position (GRCh38, 1-based): chr2:165,377,651, G>A. VCF-style: chr2-165377651-G-A. GRCh37 (hg19) VCF-style: chr2-166234161-G-A.
Other names: c.4308+1G>A (NM_001040143.2, NM_001371246.1, NM_001371247.1 and 1 more transcripts).
Identifiers: ClinVar variation 265589 (VCV000265589.7), dbSNP rs886039648, ClinGen allele CA10588316.
Genomic context (GRCh38, chr2:165,377,651, plus strand): 5'-TTACAGGCCACGTTTAAGGGATGGATGGATATTATGTATGCAGCTGTTGATTCACGAAAT[G>A]TAAGTCTAGTTAGAGGGAAATTGTTTAGTTTGATTAAATGTATATTTCTACAATATTGTA-3'